The following is an entry in ClinVar:

ClinVar aggregate classification (germline): Pathogenic. Review status: reviewed by expert panel (3 of 4 stars). 2 submissions from 2 submitters: Pathogenic (1). 1 of the submissions does not count toward it. Last evaluated 2016-09-08.

Conditions:
Breast-ovarian cancer, familial, susceptibility to, 1 (BROVCA1). Also called: BRCA1 Hereditary Breast and Ovarian Cancer; OVARIAN CANCER, SUSCEPTIBILITY TO. Identifiers: Orphanet 145, MedGen C2676676, MONDO:0011450, OMIM 604370. Disease mechanism: loss of function.
Hereditary breast ovarian cancer syndrome. Also called: Breast and ovarian cancer; Hereditary breast and ovarian cancer; Hereditary breast and ovarian cancer syndrome; Hereditary breast and/or ovarian cancer syndrome; BRCA1- and BRCA2-Associated Hereditary Breast and Ovarian Cancer; Hereditary breast and ovarian cancer syndrome (HBOC). Identifiers: Orphanet 145, MedGen C0677776, MeSH D061325, MONDO:0003582. Disease mechanism: loss of function.

Submissions (2):

Evidence-based Network for the Interpretation of Germline Mutant Alleles (ENIGMA)
Classification: Pathogenic for Breast-ovarian cancer, familial, susceptibility to, 1. Last evaluated: 2016-09-08. Review status: reviewed by expert panel. Criteria: ENIGMA BRCA1/2 Classification Criteria (2015). Collection method: curation. Allele origin: germline.
Comment: Variant allele predicted to encode a truncated non-functional protein.

Labcorp Genetics (formerly Invitae), Labcorp
Classification: Pathogenic for Hereditary breast ovarian cancer syndrome. Last evaluated: 2015-10-03. Review status: criteria provided, single submitter. Criteria: Invitae Variant Classification Sherloc (09022015). Collection method: clinical testing. Allele origin: germline. Not counted in ClinVar's aggregate classification.
Comment: For these reasons, this variant has been classified as Pathogenic. While this particular variant has not been reported in the literature, truncating variants in BRCA1 are known to be pathogenic (PMID: 20104584). This sequence change inserts 1 nucleotide in exon 10 of the BRCA1 mRNA (c.2378dupA), causing a frameshift at codon 794. This creates a premature translational stop signal (p.Ala794Glyfs*7) and is expected to result in an absent or disrupted protein product.

Literature cited by the submitters: PubMed 20104584 (cited by Labcorp Genetics (formerly Invitae), Labcorp).

NM_007294.4(BRCA1):c.2378dup (p.Ala794fs)

Gene: BRCA1 (BRCA1 DNA repair associated; minus strand). Cytogenetic location: 17q21.31.
Variant type: Duplication.
Coding change: c.2378dup on transcript NM_007294.4 (MANE Select); coding-DNA position 2378, one base duplicated (A; older notation c.2378dupA).
Protein change: p.Ala794fs; shifts the reading frame from alanine 794.
Molecular consequence: frameshift variant. On other transcripts: intron variant (137).
Genome position (GRCh38, 1-based): chr17:43,093,153, T duplicated on the plus strand (A on the coding strand, the reverse complement: BRCA1 is on the minus strand); the first of 2 consecutive T bases (chr17:43,093,153-43,093,154); duplicating either gives the same sequence. VCF-style (leftmost placement, unchanged base first): chr17-43093152-C-CT. GRCh37 (hg19) VCF-style: chr17-41245169-C-CT.
Other names: c.2378dupA (NM_007294.3); c.2165dup, p.Ala723fs (NM_001407571.1, NM_001407853.1, NM_001407894.1 and 9 more transcripts); c.2378dup, p.Ala794fs (NM_001407581.1, NM_001407582.1, NM_001407583.1 and 30 more transcripts); c.2375dup, p.Ala793fs (NM_001407587.1, NM_001407590.1, NM_001407591.1 and 22 more transcripts); c.2369dup, p.Ala791fs (NM_001407646.1, NM_001407647.1); c.2255dup, p.Ala753fs (NM_001407648.1, NM_001407664.1, NM_001407665.1 and 19 more transcripts); c.2252dup, p.Ala752fs (NM_001407649.1, NM_001407670.1, NM_001407671.1 and 11 more transcripts); c.2300dup, p.Ala768fs (NM_001407653.1, NM_001407654.1, NM_001407655.1 and 4 more transcripts); and 42 more; short protein forms A794fs, A747fs, A683fs, A726fs, A753fs, A768fs, A791fs, A498fs.
Identifiers: ClinVar variation 220464 (VCV000220464.19), dbSNP rs864622536, ClinGen allele CA348790.
Genomic context (GRCh38, chr17:43,093,152, plus strand): 5'-TCCCTTGGGGTTTTCAAATGCTGCACACTGACTCACACATTTATTTGGTTCTGTTTTTGC[C>CT]TTCCCTAGAGTGCTAACTTCCAGTAACGAGATACTTTCCTGAGTGCCATAATCAGTACCA-3'